The following is an entry in ClinVar:

NM_000329.3(RPE65):c.578G>A (p.Gly193Asp)

Gene: RPE65 (retinoid isomerohydrolase RPE65; minus strand). Cytogenetic location: 1p31.3.
Variant type: single nucleotide variant.
Coding change: c.578G>A on transcript NM_000329.3 (MANE Select); coding-DNA position 578, G replaced by A.
Protein change: p.Gly193Asp; replaces glycine 193 with aspartic acid.
Molecular consequence: missense variant.
Genome position (GRCh38, 1-based): chr1:68,440,918, C>T on the plus strand (G>A on the coding strand, the complement: RPE65 is on the minus strand). VCF-style: chr1-68440918-C-T. GRCh37 (hg19) VCF-style: chr1-68906601-C-T.
Other names: c.470G>A, p.Gly157Asp (NM_001406853.1); c.302G>A, p.Gly101Asp (NM_001406856.1, NM_001406857.1); c.578G>A, p.Gly193Asp (NM_001406859.1); short protein forms G157D, G193D, G101D.
Identifiers: ClinVar variation 4782596 (VCV004782596.1).

ClinVar aggregate classification (germline): Uncertain significance (1 of 4 stars; one submission).

Conditions:
Leber congenital amaurosis 2 (LCA2). Also called: AMAUROSIS CONGENITA OF LEBER II; Autosomal Recessive RPE65-Related Retinal Degeneration. Identifiers: Orphanet 65, MedGen C1859844, MONDO:0008765, OMIM 204100. Disease mechanism: loss of function.
Retinitis pigmentosa 20 (RP20). Identifiers: Orphanet 791, MedGen C3151086, MONDO:0013425, OMIM 613794.

Submission:

Labcorp Genetics (formerly Invitae), Labcorp
Classification: Uncertain significance for Leber congenital amaurosis 2; Retinitis pigmentosa 20. Last evaluated: 2026-01-19. Review status: criteria provided, single submitter. Criteria: Invitae Variant Classification Sherloc (09022015). Collection method: clinical testing. Allele origin: germline.
Comment: This sequence change replaces glycine, which is neutral and non-polar, with aspartic acid, which is acidic and polar, at codon 193 of the RPE65 protein (p.Gly193Asp). This variant is not present in population databases (gnomAD no frequency). This variant has not been reported in the literature in individuals affected with RPE65-related conditions. Invitae Evidence Modeling of protein sequence and biophysical properties (such as structural, functional, and spatial information, amino acid conservation, physicochemical variation, residue mobility, and thermodynamic stability) indicates that this missense variant is expected to disrupt RPE65 protein function with a positive predictive value of 80%. In summary, the available evidence is currently insufficient to determine the role of this variant in disease. Therefore, it has been classified as a Variant of Uncertain Significance.